The following is an entry in ClinVar:

NM_139076.3(ABRAXAS1):c.887C>T (p.Ser296Leu)

Gene: ABRAXAS1 (abraxas 1, BRCA1 A complex subunit; minus strand). Cytogenetic location: 4q21.23.
Variant type: single nucleotide variant.
Coding change: c.887C>T on transcript NM_139076.3 (MANE Select); coding-DNA position 887, C replaced by T.
Protein change: p.Ser296Leu; replaces serine 296 with leucine.
Molecular consequence: missense variant.
Genome position (GRCh38, 1-based): chr4:83,462,812, G>A on the plus strand (C>T on the coding strand, the complement: ABRAXAS1 is on the minus strand). VCF-style: chr4-83462812-G-A. GRCh37 (hg19) VCF-style: chr4-84383965-G-A.
Other names: c.560C>T, p.Ser187Leu (NM_001345962.2); short protein forms S187L, S296L.
Identifiers: ClinVar variation 1799908 (VCV001799908.2), dbSNP rs2110033270, ClinGen allele CA357256334.

ClinVar aggregate classification (germline): Uncertain significance (1 of 4 stars; one submission).

Submission:

Ambry Genetics
Classification: Uncertain significance. Last evaluated: 2021-06-23. Review status: criteria provided, single submitter. Criteria: Ambry Variant Classification Scheme 2023. Collection method: clinical testing. Allele origin: germline.
Comment: The p.S296L variant (also known as c.887C>T), located in coding exon 9 of the FAM175A gene, results from a C to T substitution at nucleotide position 887. The serine at codon 296 is replaced by leucine, an amino acid with dissimilar properties. This amino acid position is conserved. In addition, this alteration is predicted to be tolerated by in silico analysis. Since supporting evidence is limited at this time, the clinical significance of this alteration remains unclear.